The following is an entry in ClinVar:

NM_017757.3(ZNF407):c.1446G>A (p.Ala482=)

Gene: ZNF407 (zinc finger protein 407; plus strand). Cytogenetic location: 18q22.3.
Variant type: single nucleotide variant.
Coding change: c.1446G>A on transcript NM_017757.3 (MANE Select); coding-DNA position 1446, G replaced by A.
Protein change: p.Ala482=; no amino-acid change (alanine 482 retained).
Molecular consequence: synonymous variant.
Genome position (GRCh38, 1-based): chr18:74,632,465, G>A. VCF-style: chr18-74632465-G-A. GRCh37 (hg19) VCF-style: chr18-72344421-G-A.
Other names: c.1446G>A, p.Ala482= (NM_001146189.1, NM_001146190.1, NM_001384475.1).
Identifiers: ClinVar variation 437360 (VCV000437360.13), dbSNP rs368834630, ClinGen allele CA9000362.

ClinVar aggregate classification (germline): Likely benign. Review status: criteria provided, multiple submitters, no conflicts (2 of 4 stars). 2 submissions from 2 submitters: Likely benign (2). Last evaluated 2025-03-01.

Allele frequency attached by ClinVar (database versions not stated): gnomAD 0.00006 and 0.00014; TOPMed 0.00010; ESP Exome Variant Server 0.00024; ExAC 0.00027; 1000 Genomes Project 30x 0.00078; 1000 Genomes Project 0.00080.

Submissions (2):

CeGaT Center for Human Genetics Tuebingen
Classification: Likely benign. Last evaluated: 2025-03-01. Review status: criteria provided, single submitter. Criteria: CeGaT Center For Human Genetics Tuebingen Variant Classification Criteria Version 2. Collection method: clinical testing. Allele origin: germline. Affected: yes. Observed: 1 variant allele.
Comment: ZNF407: BP4, BP7

Genetic Services Laboratory, University of Chicago
Classification: Likely benign. Last evaluated: 2016-09-12. Review status: criteria provided, single submitter. Criteria: ACMG Guidelines, 2015. Collection method: clinical testing. Allele origin: germline. Affected: no.